The following is an entry in ClinVar:

ClinVar aggregate classification (germline): Uncertain significance (1 of 4 stars; one submission).

Conditions:
Inborn genetic diseases. Identifiers: MedGen C0950123, MeSH D030342.

gnomAD v4.1: 5 of 1,609,376 alleles (0.00031%); highest among the groups gnomAD compares: Admixed American, 0.0017%; no homozygotes.

Submission:

Ambry Genetics
Classification: Uncertain significance for Inborn genetic diseases. Last evaluated: 2025-01-03. Review status: criteria provided, single submitter. Criteria: Ambry Variant Classification Scheme 2023. Collection method: clinical testing. Allele origin: germline.
Comment: The p.R183H variant (also known as c.548G>A), located in coding exon 4 of the ELANE gene, results from a G to A substitution at nucleotide position 548. The arginine at codon 183 is replaced by histidine, an amino acid with highly similar properties. This amino acid position is conserved. In addition, the in silico prediction for this alteration is inconclusive. Based on the available evidence, the clinical significance of this variant remains unclear.

NM_001972.4(ELANE):c.548G>A (p.Arg183His)

Gene: ELANE (elastase, neutrophil expressed; plus strand). Cytogenetic location: 19p13.3.
Variant type: single nucleotide variant.
Coding change: c.548G>A on transcript NM_001972.4 (MANE Select); coding-DNA position 548, G replaced by A.
Protein change: p.Arg183His; replaces arginine 183 with histidine.
Molecular consequence: missense variant.
Genome position (GRCh38, 1-based): chr19:855,745, G>A. VCF-style: chr19-855745-G-A. GRCh37 (hg19) VCF-style: chr19-855745-G-A.
Other names: short protein forms R183H.
Identifiers: ClinVar variation 3844286 (VCV003844286.1).